The following is an entry in ClinVar:

NM_004168.4(SDHA):c.*15G>A

Gene: SDHA (succinate dehydrogenase complex flavoprotein subunit A; plus strand). Cytogenetic location: 5p15.33.
Variant type: single nucleotide variant.
Coding change: c.*15G>A on transcript NM_004168.4 (MANE Select); 15 bases downstream of the stop codon, G replaced by A.
Molecular consequence: 3 prime UTR variant.
Genome position (GRCh38, 1-based): chr5:256,435, G>A. VCF-style: chr5-256435-G-A. GRCh37 (hg19) VCF-style: chr5-256550-G-A.
Other names: c.*15G>A (NM_001294332.2, NM_001330758.2).
Identifiers: ClinVar variation 385443 (VCV000385443.1), dbSNP rs1057522224, ClinGen allele CA16604892.

ClinVar aggregate classification (germline): Likely benign (1 of 4 stars; one submission).

Allele frequency attached by ClinVar (database versions not stated): gnomAD exomes 0.00001.
gnomAD v4.1: 8 of 1,592,200 alleles (0.0005%); highest among the groups gnomAD compares: Non-Finnish European, 0.00069%; no homozygotes.

Submission:

GeneDx
Classification: Likely benign. Last evaluated: 2016-05-04. Review status: criteria provided, single submitter. Criteria: GeneDx Variant Classification (06012015). Collection method: clinical testing. Allele origin: germline. Affected: yes.
Comment: This variant is considered likely benign or benign based on one or more of the following criteria: it is a conservative change, it occurs at a poorly conserved position in the protein, it is predicted to be benign by multiple in silico algorithms, and/or has population frequency not consistent with disease.